The following is an entry in ClinVar:

NM_004958.4(MTOR):c.6287A>T (p.Asp2096Val)

Gene: MTOR (mechanistic target of rapamycin kinase; minus strand). Cytogenetic location: 1p36.22.
Variant type: single nucleotide variant.
Coding change: c.6287A>T on transcript NM_004958.4 (MANE Select); coding-DNA position 6287, A replaced by T.
Protein change: p.Asp2096Val; replaces aspartic acid 2096 with valine.
Molecular consequence: missense variant.
Genome position (GRCh38, 1-based): chr1:11,127,074, T>A on the plus strand (A>T on the coding strand, the complement: MTOR is on the minus strand). VCF-style: chr1-11127074-T-A. GRCh37 (hg19) VCF-style: chr1-11187131-T-A.
Other names: c.6287A>T, p.Asp2096Val (NM_001386500.1); c.5039A>T, p.Asp1680Val (NM_001386501.1); short protein forms D1680V, D2096V.
Identifiers: ClinVar variation 5009937 (VCV005009937.1).

ClinVar aggregate classification (germline): Uncertain significance (1 of 4 stars; one submission).

Submission:

GeneDx
Classification: Uncertain significance. Last evaluated: 2026-02-24. Review status: criteria provided, single submitter. Criteria: GeneDx Variant Classification Process June 2021. Collection method: clinical testing. Allele origin: germline.
Comment: Not observed at significant frequency in large population cohorts (gnomAD); In silico analysis supports that this missense variant has a deleterious effect on protein structure/function; Has not been previously published as pathogenic or benign to our knowledge